The following is an entry in ClinVar:

ClinVar aggregate classification (germline): Benign/Likely benign. Review status: criteria provided, multiple submitters, no conflicts (2 of 4 stars). 7 submissions from 7 submitters: Benign (1); Likely benign (6). Last evaluated 2025-12-21.

Conditions:
Developmental and epileptic encephalopathy, 32 (DEE32). Also called: Epileptic encephalopathy, early infantile, 32. Identifiers: Orphanet 442835, MedGen C4225350, MONDO:0014607, OMIM 616366.

Allele frequency attached by ClinVar (database versions not stated): TOPMed 0.00020; ExAC 0.00021; gnomAD 0.00026; gnomAD exomes 0.00026 and 0.00028; ESP Exome Variant Server 0.00031.
gnomAD v4.1: 409 of 1,614,092 alleles (0.025%); highest among the groups gnomAD compares: Non-Finnish European, 0.031%; no homozygotes.

Submissions (7):

Labcorp Genetics (formerly Invitae), Labcorp
Classification: Likely benign for Developmental and epileptic encephalopathy, 32. Last evaluated: 2025-12-21. Review status: criteria provided, single submitter. Criteria: Invitae Variant Classification Sherloc (09022015). Collection method: clinical testing. Allele origin: germline.

CeGaT Center for Human Genetics Tuebingen
Classification: Likely benign. Last evaluated: 2025-10-01. Review status: criteria provided, single submitter. Criteria: CeGaT Center For Human Genetics Tuebingen Variant Classification Criteria Version 2. Collection method: clinical testing. Allele origin: germline. Affected: yes. Observed: 11 variant alleles.
Comment: KCNA2: BP4, BS1:Supporting

Laboratory of Genetics, Children's Clinical University Hospital Latvia
Classification: Benign. Last evaluated: 2025-02-16. Review status: criteria provided, single submitter. Criteria: ACMG Guidelines, 2015. Collection method: clinical testing. Allele origin: germline. Affected: yes.

Blueprint Genetics
Classification: Likely benign. Last evaluated: 2024-10-14. Review status: criteria provided, single submitter. Criteria: ACMG Guidelines, 2015. Collection method: clinical testing. Allele origin: germline.

ARUP Laboratories, Molecular Genetics and Genomics, ARUP Laboratories
Classification: Likely benign for Developmental and epileptic encephalopathy, 32. Last evaluated: 2023-10-17. Review status: criteria provided, single submitter. Criteria: ARUP Molecular Germline Variant Investigation Process 2024. Collection method: clinical testing. Allele origin: germline.

GeneDx
Classification: Likely benign. Last evaluated: 2021-12-12. Review status: criteria provided, single submitter. Criteria: GeneDx Variant Classification Process June 2021. Collection method: clinical testing. Allele origin: germline. Affected: yes.
Comment: See Variant Classification Assertion Criteria.

Fulgent Genetics
Classification: Likely benign for Developmental and epileptic encephalopathy, 32. Last evaluated: 2021-11-15. Review status: criteria provided, single submitter. Criteria: ACMG Guidelines, 2015. Collection method: clinical testing. Allele origin: unknown.

NM_004974.4(KCNA2):c.372G>A (p.Glu124=)

Gene: KCNA2 (potassium voltage-gated channel subfamily A member 2; minus strand). Cytogenetic location: 1p13.3.
Variant type: single nucleotide variant.
Coding change: c.372G>A on transcript NM_004974.4 (MANE Select); coding-DNA position 372, G replaced by A.
Protein change: p.Glu124=; no amino-acid change (glutamic acid 124 retained).
Molecular consequence: synonymous variant.
Genome position (GRCh38, 1-based): chr1:110,604,411, C>T on the plus strand (G>A on the coding strand, the complement: KCNA2 is on the minus strand). VCF-style: chr1-110604411-C-T. GRCh37 (hg19) VCF-style: chr1-111147033-C-T.
Other names: c.372G>A, p.Glu124= (NM_001204269.2).
Identifiers: ClinVar variation 444177 (VCV000444177.58), dbSNP rs200499541, ClinGen allele CA1000724.